The following is an entry in ClinVar:

NM_016111.4(TELO2):c.1747G>A (p.Val583Ile)

Gene: TELO2 (telomere maintenance 2; plus strand). Cytogenetic location: 16p13.3.
Variant type: single nucleotide variant.
Coding change: c.1747G>A on transcript NM_016111.4 (MANE Select); coding-DNA position 1747, G replaced by A.
Protein change: p.Val583Ile; replaces valine 583 with isoleucine.
Molecular consequence: missense variant.
Genome position (GRCh38, 1-based): chr16:1,502,738, G>A. VCF-style: chr16-1502738-G-A. GRCh37 (hg19) VCF-style: chr16-1552739-G-A.
Other names: c.1747G>A, p.Val583Ile (NM_001351846.2); c.1747G>A (NM_016111.3); short protein forms V583I.
Identifiers: ClinVar variation 1676226 (VCV001676226.4), dbSNP rs775272837, ClinGen allele CA7812296.
Genomic context (GRCh38, chr16:1,502,738, plus strand): 5'-CTGGAGGAGAAGACCTGTGTGGTGGGATTTGCAGGGCTGCGCCAGAGAGCCCTGGTGGCC[G>A]TCACGGTCACAGACCCGGCCCCGGTGAGTTCCCGCACCCGTGGCCCTGGCCAGTGCAGGC-3'
Protein context (NP_057195.2, residues 573-593): AGLRQRALVA[Val583Ile]TVTDPAPVAD

ClinVar aggregate classification (germline): Uncertain significance. Review status: criteria provided, multiple submitters, no conflicts (2 of 4 stars). 3 submissions from 3 submitters: Uncertain significance (3). Last evaluated 2025-04-11.

Conditions:
TELO2-related intellectual disability-neurodevelopmental disorder. Also called: You-Hoover-Fong syndrome. Identifiers: Orphanet 488642, MedGen C4310778, MONDO:0014848, OMIM 616954.
Inborn genetic diseases. Identifiers: MedGen C0950123, MeSH D030342.

Allele frequency attached by ClinVar (database versions not stated): gnomAD 0.00006 and 0.00004; gnomAD exomes 0.00009 and 0.00006; 1000 Genomes Project 30x 0.00016; TOPMed 0.00003; ExAC 0.00010.
gnomAD v4.1: 99 of 1,612,272 alleles (0.0061%); highest among the groups gnomAD compares: South Asian, 0.085%; 1 homozygote.

Submissions (3):

Ambry Genetics
Classification: Uncertain significance for Inborn genetic diseases. Last evaluated: 2025-04-11. Review status: criteria provided, single submitter. Criteria: Ambry Variant Classification Scheme 2023. Collection method: clinical testing. Allele origin: germline.

Molecular Genetics, Royal Melbourne Hospital
Classification: Uncertain significance for TELO2-related intellectual disability-neurodevelopmental disorder. Last evaluated: 2021-09-03. Review status: criteria provided, single submitter. Criteria: ACMG Guidelines, 2015. Collection method: clinical testing. Allele origin: germline.
Comment: This sequence change in TELO2 is predicted to replace valine with isoleucine at codon 583 (p.(Val583Ile)). The valine residue is moderately conserved (100 vertebrates, UCSC), and is located in the telomere length regulation 2 domain. There is a small physicochemical difference between valine and isoleucine. The highest population minor allele frequency in gnomAD v2.1 is 0.06% (18/30,606 alleles, 0 homozygotes) in the South Asian population. To our knowledge, this variant has not been reported in the literature in any individuals. Multiple lines of computational evidence have conflicting predictions for the missense substitution (4/6 algorithms predict benign). Based on the classification scheme RMH Modified ACMG Guidelines v1.4.0, this variant is classified as a VARIANT OF UNCERTAIN SIGNIFICANCE. Following criteria are met: none.

Breakthrough Genomics
Classification: Uncertain significance. Review status: criteria provided, single submitter. Criteria: ACMG Guidelines, 2015. Collection method: not provided. Allele origin: germline. Inheritance: Autosomal recessive inheritance. Affected: yes.